The following is an entry in ClinVar:

ClinVar aggregate classification (germline): Pathogenic (1 of 4 stars; one submission).

Submission:

Labcorp Genetics (formerly Invitae), Labcorp
Classification: Pathogenic. Last evaluated: 2025-07-22. Review status: criteria provided, single submitter. Criteria: Invitae Variant Classification Sherloc (09022015). Collection method: clinical testing. Allele origin: germline.
Comment: This sequence change creates a premature translational stop signal (p.Gly125Aspfs*36) in the CTSK gene. It is expected to result in an absent or disrupted protein product. Loss-of-function variants in CTSK are known to be pathogenic (PMID: 12125807, 21569238). This variant is not present in population databases (gnomAD no frequency). This variant has not been reported in the literature in individuals affected with CTSK-related conditions. For these reasons, this variant has been classified as Pathogenic.

Literature cited by the submitters: PubMed 12125807; PubMed 21569238.

NM_000396.4(CTSK):c.372del (p.Gly125fs)

Gene: CTSK (cathepsin K; minus strand). Cytogenetic location: 1q21.3.
Variant type: Deletion.
Coding change: c.372del on transcript NM_000396.4 (MANE Select); coding-DNA position 372, one base deleted (A; older notation c.372delA).
Protein change: p.Gly125fs; shifts the reading frame from glycine 125.
Molecular consequence: frameshift variant.
Genome position (GRCh38, 1-based): chr1:150,805,888, T deleted on the plus strand (A on the coding strand, the reverse complement: CTSK is on the minus strand); the first of 3 consecutive T bases (chr1:150,805,888-150,805,890); deleting any one gives the same sequence. VCF-style (leftmost placement, unchanged base first): chr1-150805887-CT-C. GRCh37 (hg19) VCF-style: chr1-150778363-CT-C.
Other names: short protein forms G125fs.
Identifiers: ClinVar variation 4740157 (VCV004740157.1).